The following is an entry in ClinVar:

NM_172107.4(KCNQ2):c.568A>C (p.Asn190His)

Gene: KCNQ2 (potassium voltage-gated channel subfamily Q member 2; minus strand). Cytogenetic location: 20q13.33.
Variant type: single nucleotide variant.
Coding change: c.568A>C on transcript NM_172107.4 (MANE Select); coding-DNA position 568, A replaced by C.
Protein change: p.Asn190His; replaces asparagine 190 with histidine.
Molecular consequence: missense variant.
Genome position (GRCh38, 1-based): chr20:63,444,781, T>G on the plus strand (A>C on the coding strand, the complement: KCNQ2 is on the minus strand). VCF-style: chr20-63444781-T-G. GRCh37 (hg19) VCF-style: chr20-62076134-T-G.
Other names: c.568A>C, p.Asn190His (NM_001382235.1, NM_004518.6, NM_172106.3 and 2 more transcripts); short protein forms N190H.
Identifiers: ClinVar variation 3637738 (VCV003637738.2).

ClinVar aggregate classification (germline): Likely pathogenic (1 of 4 stars; one submission).

Conditions:
Early-infantile DEE. Also called: Early infantile epileptic encephalopathy; Ohtahara syndrome; Early infantile epileptic encephalopathy with suppression bursts. Identifiers: Orphanet 1934, MedGen C0393706, MONDO:0800491.

Submission:

Labcorp Genetics (formerly Invitae), Labcorp
Classification: Likely pathogenic for Early-infantile DEE. Last evaluated: 2024-08-21. Review status: criteria provided, single submitter. Criteria: Invitae Variant Classification Sherloc (09022015). Collection method: clinical testing. Allele origin: germline.
Comment: This sequence change replaces asparagine, which is neutral and polar, with histidine, which is basic and polar, at codon 190 of the KCNQ2 protein (p.Asn190His). This variant is not present in population databases (gnomAD no frequency). This variant has not been reported in the literature in individuals affected with KCNQ2-related conditions. Invitae Evidence Modeling of protein sequence and biophysical properties (such as structural, functional, and spatial information, amino acid conservation, physicochemical variation, residue mobility, and thermodynamic stability) indicates that this missense variant is expected to disrupt KCNQ2 protein function with a positive predictive value of 95%. This variant disrupts the p.Asn190 amino acid residue in KCNQ2. Other variant(s) that disrupt this residue have been determined to be pathogenic (PMID: 27602407). This suggests that this residue is clinically significant, and that variants that disrupt this residue are likely to be disease-causing. In summary, the currently available evidence indicates that the variant is pathogenic, but additional data are needed to prove that conclusively. Therefore, this variant has been classified as Likely Pathogenic.

Literature cited by the submitters: PubMed 27602407.